The following is an entry in ClinVar:

ClinVar aggregate classification (germline): Uncertain significance. Review status: criteria provided, single submitter (1 of 4 stars). 2 submissions from 2 submitters: Uncertain significance (1). 1 of the submissions does not count toward it. Last evaluated 2021-08-27.

Conditions:
Hereditary insensitivity to pain with anhidrosis (CIPA). Also called: INSENSITIVITY TO PAIN, CONGENITAL, WITH ANHIDROSIS; FAMILIAL DYSAUTONOMIA, TYPE II; NEUROPATHY, CONGENITAL SENSORY, WITH ANHIDROSIS; hereditary sensory and autonomic neuropathy type 4; NTRK1 Congenital Insensitivity to Pain with Anhidrosis; HSAN Type IV. Identifiers: Orphanet 642, MedGen C0020074, MONDO:0009746, OMIM 256800.

gnomAD v4.1: 1 of 1,612,982 alleles (0.000062%); highest among the groups gnomAD compares: Non-Finnish European, 0.000085%; no homozygotes.

Submissions (2):

Labcorp Genetics (formerly Invitae), Labcorp
Classification: Uncertain significance for Hereditary insensitivity to pain with anhidrosis. Last evaluated: 2021-08-27. Review status: criteria provided, single submitter. Criteria: Invitae Variant Classification Sherloc (09022015). Collection method: clinical testing. Allele origin: germline.
Comment: This sequence change replaces proline with glutamine at codon 335 of the NTRK1 protein (p.Pro335Gln). The proline residue is weakly conserved and there is a moderate physicochemical difference between proline and glutamine. This variant is not present in population databases (ExAC no frequency). This variant has not been reported in the literature in individuals affected with NTRK1-related conditions. Algorithms developed to predict the effect of missense changes on protein structure and function output the following: SIFT: "Tolerated"; PolyPhen-2: "Benign"; Align-GVGD: "Class C0". The glutamine amino acid residue is found in multiple mammalian species, which suggests that this missense change does not adversely affect protein function. Algorithms developed to predict the effect of sequence changes on RNA splicing suggest that this variant may create or strengthen a splice site. In summary, the available evidence is currently insufficient to determine the role of this variant in disease. Therefore, it has been classified as a Variant of Uncertain Significance.

Natera, Inc.
Classification: Uncertain significance for Hereditary insensitivity to pain with anhidrosis. Last evaluated: 2021-04-20. Review status: no assertion criteria provided. Collection method: clinical testing. Allele origin: germline. Not counted in ClinVar's aggregate classification.

NM_002529.4(NTRK1):c.1004C>A (p.Pro335Gln)

Gene: NTRK1 (neurotrophic receptor tyrosine kinase 1; plus strand). Cytogenetic location: 1q23.1.
Variant type: single nucleotide variant.
Coding change: c.1004C>A on transcript NM_002529.4 (MANE Select); coding-DNA position 1004, C replaced by A.
Protein change: p.Pro335Gln; replaces proline 335 with glutamine.
Molecular consequence: missense variant.
Genome position (GRCh38, 1-based): chr1:156,873,786, C>A. VCF-style: chr1-156873786-C-A. GRCh37 (hg19) VCF-style: chr1-156843578-C-A.
Other names: c.914C>A, p.Pro305Gln (NM_001007792.1); c.1004C>A, p.Pro335Gln (NM_001012331.2); short protein forms P305Q, P335Q.
Identifiers: ClinVar variation 1014803 (VCV001014803.9), dbSNP rs758490619, ClinGen allele CA342935988.